The following is an entry in ClinVar:

ClinVar aggregate classification (germline): Uncertain significance. Review status: criteria provided, multiple submitters, no conflicts (2 of 4 stars). 4 submissions from 4 submitters: Uncertain significance (3). 1 of the submissions does not count toward it. Last evaluated 2023-09-27.

Conditions:
Familial Mediterranean fever (FMF). Also called: POLYSEROSITIS, FAMILIAL PAROXYSMAL; POLYSEROSITIS, RECURRENT; Periodic peritonitis; Benign paroxysmal peritonitis. Identifiers: Orphanet 342, MedGen C0031069, MONDO:0018088, OMIM 249100. Disease mechanism: gain of function.

Allele frequency attached by ClinVar (database versions not stated): ExAC 0.00001; gnomAD 0.00001; gnomAD exomes 0.00001; TOPMed 0.00001; ESP Exome Variant Server 0.00008; 1000 Genomes Project 30x 0.00016; 1000 Genomes Project 0.00020.
gnomAD v4.1: 21 of 1,614,164 alleles (0.0013%); highest among the groups gnomAD compares: South Asian, 0.0088%; no homozygotes.

Submissions (4):

Labcorp Genetics (formerly Invitae), Labcorp
Classification: Uncertain significance for Familial Mediterranean fever. Last evaluated: 2023-09-27. Review status: criteria provided, single submitter. Criteria: Invitae Variant Classification Sherloc (09022015). Collection method: clinical testing. Allele origin: germline.
Comment: This sequence change replaces glutamic acid, which is acidic and polar, with lysine, which is basic and polar, at codon 474 of the MEFV protein (p.Glu474Lys). This variant is present in population databases (rs104895104, gnomAD 0.003%). This missense change has been observed in individual(s) with familial Mediterranean fever (PMID: 16378925). ClinVar contains an entry for this variant (Variation ID: 97444). Algorithms developed to predict the effect of missense changes on protein structure and function output the following: SIFT: "Not Available"; PolyPhen-2: "Benign"; Align-GVGD: "Not Available". The lysine amino acid residue is found in multiple mammalian species, which suggests that this missense change does not adversely affect protein function. In summary, the available evidence is currently insufficient to determine the role of this variant in disease. Therefore, it has been classified as a Variant of Uncertain Significance.

Mendelics
Classification: Uncertain significance for Familial Mediterranean fever. Last evaluated: 2019-05-28. Review status: criteria provided, single submitter. Criteria: Mendelics Assertion Criteria 2017. Collection method: clinical testing. Allele origin: unknown.

Blueprint Genetics
Classification: Uncertain significance. Last evaluated: 2018-04-17. Review status: criteria provided, single submitter. Criteria: ACMG Guidelines, 2015. Collection method: clinical testing. Allele origin: germline.

Unité médicale des maladies autoinflammatoires, CHRU Montpellier
No classification provided. Condition: Familial Mediterranean fever. Review status: no classification provided. Collection method: not provided. Allele origin: unknown. Not counted in ClinVar's aggregate classification.

Literature cited by the submitters: PubMed 16378925 (cited by Labcorp Genetics (formerly Invitae), Labcorp).

NM_000243.3(MEFV):c.1420G>A (p.Glu474Lys)

Gene: MEFV (MEFV innate immunity regulator, pyrin; minus strand). Cytogenetic location: 16p13.3.
Variant type: single nucleotide variant.
Coding change: c.1420G>A on transcript NM_000243.3 (MANE Select); coding-DNA position 1420, G replaced by A.
Protein change: p.Glu474Lys; replaces glutamic acid 474 with lysine.
Molecular consequence: missense variant.
Genome position (GRCh38, 1-based): chr16:3,247,183, C>T on the plus strand (G>A on the coding strand, the complement: MEFV is on the minus strand). VCF-style: chr16-3247183-C-T. GRCh37 (hg19) VCF-style: chr16-3297183-C-T.
Other names: c.787G>A, p.Glu263Lys (NM_001198536.2); short protein forms E474K, E263K.
Identifiers: ClinVar variation 97444 (VCV000097444.5), dbSNP rs104895104, ClinGen allele CA280401.